The following is an entry in ClinVar:

NM_002880.4(RAF1):c.1608C>T (p.Ile536=)

Gene: RAF1 (Raf-1 proto-oncogene, serine/threonine kinase; minus strand). Cytogenetic location: 3p25.2.
Variant type: single nucleotide variant.
Coding change: c.1608C>T on transcript NM_002880.4 (MANE Select); coding-DNA position 1608, C replaced by T.
Protein change: p.Ile536=; no amino-acid change (isoleucine 536 retained).
Molecular consequence: synonymous variant. On other transcripts: non-coding transcript variant (3).
Genome position (GRCh38, 1-based): chr3:12,585,182, G>A on the plus strand (C>T on the coding strand, the complement: RAF1 is on the minus strand). VCF-style: chr3-12585182-G-A. GRCh37 (hg19) VCF-style: chr3-12626681-G-A.
Other names: c.1668C>T, p.Ile556= (NM_001354689.3); c.1608C>T, p.Ile536= (NM_001354690.3); c.1365C>T, p.Ile455= (NM_001354691.3, NM_001354692.3); c.1509C>T, p.Ile503= (NM_001354693.3); c.1425C>T, p.Ile475= (NM_001354694.3); c.1266C>T, p.Ile422= (NM_001354695.3).
Identifiers: ClinVar variation 1172905 (VCV001172905.11), dbSNP rs542779722, ClinGen allele CA2259464.

ClinVar aggregate classification (germline): Likely benign. Review status: criteria provided, multiple submitters, no conflicts (2 of 4 stars). 5 submissions from 5 submitters: Likely benign (4). 1 of the submissions does not count toward it. Last evaluated 2026-04-13.

Conditions:
Cardiovascular phenotype. Identifiers: MedGen CN230736.
RAF1-related disorder. Also called: RAF1-related disorders; RAF1-related condition.
RASopathy. Also called: rasopathies; Noonan spectrum disorder. Identifiers: Orphanet 536391, MedGen C5555857, MONDO:0021060.

Allele frequency attached by ClinVar (database versions not stated): TOPMed 0.00001; gnomAD exomes 0.00002; ExAC 0.00004; 1000 Genomes Project 30x 0.00016; 1000 Genomes Project 0.00020; gnomAD 0.00001.
gnomAD v4.1: 10 of 1,614,124 alleles (0.00062%); highest among the groups gnomAD compares: South Asian, 0.0088%; 1 homozygote.

Submissions (5):

Women's Health and Genetics/Laboratory Corporation of America, LabCorp
Classification: Likely benign. Last evaluated: 2026-04-13. Review status: criteria provided, single submitter. Criteria: LabCorp Variant Classification Summary - May 2015. Collection method: clinical testing. Allele origin: germline.
Comment: Variant summary: RAF1 c.1608C>T alters a conserved nucleotide resulting in a synonymous change. Consensus agreement among computation tools predict no significant impact on normal splicing. However, these predictions have yet to be confirmed by functional studies. The variant allele was found at a frequency of 2e-05 in 251434 control chromosomes in the gnomAD database, including one homozygote. The available data on variant occurrences in the general population are insufficient to allow any conclusion about variant significance. To our knowledge, no occurrence of c.1608C>T in individuals affected with RAF1-related conditions and no experimental evidence demonstrating its impact on protein function have been reported. ClinVar contains an entry for this variant (Variation ID: 1172905). Based on the evidence outlined above, the variant was classified as likely benign.

Labcorp Genetics (formerly Invitae), Labcorp
Classification: Likely benign for RASopathy. Last evaluated: 2024-11-12. Review status: criteria provided, single submitter. Criteria: Invitae Variant Classification Sherloc (09022015). Collection method: clinical testing. Allele origin: germline.

Ambry Genetics
Classification: Likely benign for Cardiovascular phenotype. Last evaluated: 2024-11-10. Review status: criteria provided, single submitter. Criteria: Ambry Variant Classification Scheme 2023. Collection method: clinical testing. Allele origin: germline.

Blueprint Genetics
Classification: Likely benign. Last evaluated: 2023-09-04. Review status: criteria provided, single submitter. Criteria: ACMG Guidelines, 2015. Collection method: clinical testing. Allele origin: germline.

PreventionGenetics, part of Exact Sciences
Classification: Likely benign for RAF1-related condition. Last evaluated: 2020-11-11. Review status: no assertion criteria provided. Collection method: clinical testing. Allele origin: germline. Not counted in ClinVar's aggregate classification.
Comment: This variant is classified as likely benign based on ACMG/AMP sequence variant interpretation guidelines (Richards et al. 2015 PMID: 25741868, with internal and published modifications).